The following is an entry in ClinVar:

ClinVar aggregate classification (germline): Likely pathogenic. Review status: reviewed by expert panel (3 of 4 stars). 7 submissions from 7 submitters: Likely pathogenic (1). 6 of the submissions do not count toward it. Last evaluated 2025-08-18.

Conditions:
Fanconi anemia, complementation group S (FANCS). Identifiers: MedGen C4554406, MONDO:0054748, OMIM 617883.
Hereditary cancer-predisposing syndrome. Also called: Hereditary Cancer Syndrome; Hereditary neoplastic syndrome; Neoplastic Syndromes, Hereditary; Tumor predisposition. Identifiers: Orphanet 140162, MedGen C0027672, MeSH D009386, MONDO:0015356.
Breast-ovarian cancer, familial, susceptibility to, 1 (BROVCA1). Also called: BRCA1 Hereditary Breast and Ovarian Cancer; OVARIAN CANCER, SUSCEPTIBILITY TO. Identifiers: Orphanet 145, MedGen C2676676, MONDO:0011450, OMIM 604370. Disease mechanism: loss of function.
BRCA1-related cancer predisposition. Identifiers: MedGen CN377757, MONDO:0700268.
Hereditary breast ovarian cancer syndrome. Also called: BRCA1- and BRCA2-Associated Hereditary Breast and Ovarian Cancer; Hereditary breast and ovarian cancer syndrome; Hereditary breast and ovarian cancer syndrome (HBOC); Breast and ovarian cancer; Hereditary breast and/or ovarian cancer syndrome; Hereditary breast and ovarian cancer. Identifiers: Orphanet 145, MedGen C0677776, MeSH D061325, MONDO:0003582. Disease mechanism: loss of function.

Submissions (8):

ClinGen ENIGMA BRCA1 and BRCA2 Variant Curation Expert Panel, ClinGen
Classification: Likely pathogenic for BRCA1-related cancer predisposition. Last evaluated: 2025-08-18. Review status: reviewed by expert panel. Criteria: CSpec BRCA1/2ACMG Rules Specifications V1.2. Collection method: curation. Allele origin: germline. Inheritance: Autosomal dominant inheritance.
Comment: The c.5252G>C variant in BRCA1 is a missense variant predicted to cause substitution of Arginine by Proline at amino acid 1751 (p.(Arg1751Pro)). This variant is absent from gnomAD v2.1 (exomes only, non-cancer subset, read depth ≥25) and gnomAD v3.1 (non-cancer subset, read depth ≥25) (PM2_Supporting met). Reported by three calibrated studies to exhibit protein function similar to pathogenic control variants (PMIDs:30209399, 38709234, 35196514) (PS3 met). This BRCA1 missense variant is within a key functional domain and the computational predictor BayesDel (noAF) gives a score of 0.37, above the recommended threshold of 0.28 for prediction of impact on BRCA1 function via protein change. A SpliceAI score of 0 predicts no impact on splicing (score threshold <0.10) (PP3 met). Multifactorial likelihood ratio analysis using clinically calibrated data produced a combined LR for this variant of 0.619 (based on Co-occurrence LR=1.1; Family History LR=0.56), which is above the ENIGMA BRCA1/2 VCEP threshold for BP5 (>0.48) and below PP4 (<2.08) (BP5 and PP4 not met; PMIDs: 31853058, 31131967). In summary, this variant meets the criteria to be classified as a Likely pathogenic variant for BRCA1-related cancer predisposition based on the ACMG/AMP criteria applied as specified by the ENIGMA BRCA1/2 VCEP (PM2_Supporting, PS3, PP3).

Labcorp Genetics (formerly Invitae), Labcorp
Classification: Likely pathogenic for Hereditary breast ovarian cancer syndrome. Last evaluated: 2025-08-03. Review status: criteria provided, single submitter. Criteria: Invitae Variant Classification Sherloc (09022015). Collection method: clinical testing. Allele origin: germline. Not counted in ClinVar's aggregate classification.
Comment: This sequence change replaces arginine, which is basic and polar, with proline, which is neutral and non-polar, at codon 1751 of the BRCA1 protein (p.Arg1751Pro). This variant is not present in population databases (gnomAD no frequency). This missense change has been observed in individual(s) with clinical features of hereditary breast and ovarian cancer syndrome (external communication, internal data). It has also been observed to segregate with disease in related individuals. ClinVar contains an entry for this variant (Variation ID: 55482). Invitae Evidence Modeling incorporating data from in vitro experimental studies (PMID: 30209399) indicates that this missense variant is expected to disrupt BRCA1 function with a positive predictive value of 95%. Experimental studies have shown that this missense change affects BRCA1 function (PMID: 15172985, 20516115, 30209399, 30765603). In summary, the currently available evidence indicates that the variant is pathogenic, but additional data are needed to prove that conclusively. Therefore, this variant has been classified as Likely Pathogenic.

Ambry Genetics
Classification: Likely pathogenic for Hereditary cancer-predisposing syndrome. Last evaluated: 2025-05-08. Review status: criteria provided, single submitter. Criteria: Ambry Variant Classification Scheme 2023. Collection method: clinical testing. Allele origin: germline. Not counted in ClinVar's aggregate classification.
Comment: The p.R1751P variant (also known as c.5252G>C), located in coding exon 18 of the BRCA1 gene, results from a G to C substitution at nucleotide position 5252. The arginine at codon 1751 is replaced by proline, an amino acid with dissimilar properties. In a study using biochemical and cell-based transcriptional assays to assess the structural and functional defects associated with BRCA1 missense variants, this variant was found to have a strong functional effect (Lee MS et al. Cancer Res. 2010 Jun; 70(12):4880-90). Another functional study found that this nucleotide substitution is deleterious in a high throughput genome editing haploid cell survival assay (Findlay GM et al. Nature. 2018 10;562:217-222). This variant was non-functional in a homology-directed DNA repair (HDR) assay (Hart SN et al. Genet Med. 2019 01;21:71-80). This variant was not reported in population-based cohorts in the Genome Aggregation Database (gnomAD). This amino acid position is highly conserved in available vertebrate species. In addition, this alteration is predicted to be deleterious by in silico analysis. Based on the majority of available evidence to date, this variant is likely to be pathogenic.

ARUP Laboratories, Molecular Genetics and Genomics, ARUP Laboratories
Classification: Likely pathogenic. Last evaluated: 2024-05-16. Review status: criteria provided, single submitter. Criteria: ARUP Molecular Germline Variant Investigation Process 2024. Collection method: clinical testing. Allele origin: germline. Not counted in ClinVar's aggregate classification.
Comment: The BRCA1 c.5252G>C; p.Arg1751Pro variant (rs80357442; ClinVar Variation ID: 55482), to our knowledge, is not reported in the medical literature associated with disease. This variant is absent from the Genome Aggregation Database (v2.1.1), indicating it is not a common polymorphism. In vitro functional analyses demonstrate defects in transcriptional activity of the BRCA1 protein (Lee 2010). Additionally, a haploid cell survival assay found this variant to be deleterious (Findlay 2018), and a yeast model and fibroblast cell study demonstrated increased cytoplasmic aggregation compared to wildtype (Thouvenot 2016). Computational analyses predict that this variant is deleterious (REVEL: 0.719). Additionally, several computational studies predict this variant to be deleterious (Fernandes 2019, Iversen 2011, Karchin 2007, Mirkovic 2004, Woods 2016). Based on available information, this variant is considered to be likely pathogenic. References: Fernandes VC et al. Impact of amino acid substitutions at secondary structures in the BRCT domains of the tumor suppressor BRCA1: Implications for clinical annotation. J Biol Chem. 2019 Apr 12;294(15):5980-5992. PMID: 30765603. Findlay GM et al. Accurate classification of BRCA1 variants with saturation genome editing. Nature. 2018 Oct;562(7726):217-222. PMID: 30209399. Iversen ES et al. A computational method to classify variants of uncertain significance using functional assay data with application to BRCA1. Cancer Epidemiol Biomarkers Prev. 2011 Jun;20(6):1078-88. PMID: 21447777. Karchin R et al. Functional impact of missense variants in BRCA1 predicted by supervised learning. PLoS Comput Biol. 2007 Feb 16;3(2):e26. PMID: 17305420. Lee MS et al. Comprehensive analysis of missense variations in the BRCT domain of BRCA1 by structural and functional assays. Cancer Res. 2010 Jun 15;70(12):4880-90. PMID: 20516115. Mirkovic N et al. Structure-based assessment of missense mutations in human BRCA1: implications for breast and ovarian cancer predisposition. Cancer Res. 2004 Jun 1;64(11):3790-7. PMID: 15172985. Thouvenot P et al. Yeast cells reveal the misfolding and the cellular mislocalization of the human BRCA1 protein. J Cell Sci. 2016 Dec 1;129(23):4366-4378. PMID: 27802165. Woods NT et al. Functional assays provide a robust tool for the clinical annotation of genetic variants of uncertain significance. NPJ Genom Med. 2016;1:16001. PMID: 28781887.

German Consortium for Hereditary Breast and Ovarian Cancer, University Hospital Cologne
Classification: Likely pathogenic for Hereditary breast ovarian cancer syndrome. Last evaluated: 2023-07-17. Review status: criteria provided, single submitter. Criteria: ACMG Guidelines, 2015. Collection method: curation. Allele origin: germline. Not counted in ClinVar's aggregate classification.
Comment: PS3, PM1, PMS2_sup, PP3. According to the ACMG standard criteria we chose these criteria: PS3 (strong pathogenic): Findley 2018: LOF, Woods 2016/Fernandes 2019: func. class 5, Lee 2010: strong functional effect, ..., PM1 (medium pathogenic): in BRCT Domain, PM2 (supporting pathogenic): absent from controls, PP3 (supporting pathogenic): PRIOR: 0.66; REVEL: 0.719

Department of Pathology and Laboratory Medicine, Sinai Health System
Classification: Likely pathogenic for Fanconi anemia, complementation group S. Last evaluated: 2019-09-30. Review status: criteria provided, single submitter. Criteria: ACMG Guidelines, 2015. Collection method: clinical testing. Allele origin: germline. Not counted in ClinVar's aggregate classification.

Brotman Baty Institute, University of Washington
No classification provided (evidence only). Condition: Breast-ovarian cancer, familial 1. Review status: no classification provided. Collection method: in vitro. Allele origin: not applicable. Functional consequence: functionally_abnormal. Not counted in ClinVar's aggregate classification.
ClinVar note: "not provided" was previously submitted as the classification for the variant. However, the classification appeared to be based only on an observation of functional data so it was converted to no classification on 2025-07-30.

Breast Cancer Information Core (BIC) (BRCA1)
Classification: Uncertain significance for Breast-ovarian cancer, familial 1. Last evaluated: 2001-10-29. Review status: flagged submission. Collection method: clinical testing. Allele origin: germline. Affected: yes. Observed: 1 variant allele. Not counted in ClinVar's aggregate classification.
ClinVar note: Reason: Older claim that does not account for recent evidence

Literature cited by the submitters: PubMed 30209399 (cited by Labcorp Genetics (formerly Invitae), Labcorp and Ambry Genetics); PubMed 15172985 (cited by Labcorp Genetics (formerly Invitae), Labcorp); PubMed 20516115 (cited by 3 submitters); PubMed 30765603 (cited by Labcorp Genetics (formerly Invitae), Labcorp); PubMed 29884841 (cited by Ambry Genetics); PubMed 27802165 (cited by Department of Pathology and Laboratory Medicine, Sinai Health System).

NM_007294.4(BRCA1):c.5252G>C (p.Arg1751Pro)

Gene: BRCA1 (BRCA1 DNA repair associated; minus strand). Cytogenetic location: 17q21.31.
Variant type: single nucleotide variant.
Coding change: c.5252G>C on transcript NM_007294.4 (MANE Select); coding-DNA position 5252, G replaced by C.
Protein change: p.Arg1751Pro; replaces arginine 1751 with proline.
Molecular consequence: missense variant. On other transcripts: non-coding transcript variant (1).
Genome position (GRCh38, 1-based): chr17:43,057,077, C>G on the plus strand (G>C on the coding strand, the complement: BRCA1 is on the minus strand). VCF-style: chr17-43057077-C-G. GRCh37 (hg19) VCF-style: chr17-41209094-C-G.
Other names: NM_007294.4(BRCA1):c.5252G>C; p.Arg1751Pro; c.5249G>C, p.Arg1750Pro (NM_001407611.1, NM_001407612.1, NM_001407613.1 and 17 more transcripts); c.5246G>C, p.Arg1749Pro (NM_001407630.1, NM_001407631.1, NM_001407632.1 and 14 more transcripts); c.5174G>C, p.Arg1725Pro (NM_001407652.1, NM_001407653.1, NM_001407654.1 and 1 more transcripts); c.5171G>C, p.Arg1724Pro (NM_001407656.1, NM_001407657.1, NM_001407658.1); c.5168G>C, p.Arg1723Pro (NM_001407659.1, NM_001407660.1, NM_001407661.1 and 2 more transcripts); c.5126G>C, p.Arg1709Pro (NM_001407671.1, NM_001407672.1, NM_001407673.1 and 10 more transcripts); and 74 more; short protein forms R1751P, R1704P, R647P, R1772P, R1454P, R1639P, R1640P, R1662P.
Identifiers: ClinVar variation 55482 (VCV000055482.30), dbSNP rs80357442, ClinGen allele CA003392.
Genomic context (GRCh38, chr17:43,057,077, plus strand): 5'-TGAGATTTTTGTCAACTTGAGGGAGGGAGCTTTACCTTTCTGTCCTGGGATTCTCTTGCT[C>G]GCTTTGGACCTTGGTGGTTTCTTCCATTGACCACATCTCCTCTGACTTCAAAATCATGCT-3'
Protein context (NP_009225.1, residues 1741-1761): VNGRNHQGPK[Arg1751Pro]ARESQDRKIF